The following is an entry in ClinVar:

NM_000626.4(CD79B):c.497C>T (p.Thr166Met)

Genes: CD79B (CD79b molecule; minus strand), GH-LCR (growth hormone locus control region; plus strand). Cytogenetic location: 17q23.3.
Variant type: single nucleotide variant.
Coding change: c.497C>T on transcript NM_000626.4 (MANE Select); coding-DNA position 497, C replaced by T.
Protein change: p.Thr166Met; replaces threonine 166 with methionine.
Molecular consequence: missense variant.
Genome position (GRCh38, 1-based): chr17:63,929,822, G>A on the plus strand (C>T on the coding strand, the complement: CD79B is on the minus strand). VCF-style: chr17-63929822-G-A. GRCh37 (hg19) VCF-style: chr17-62007182-G-A.
Other names: c.500C>T, p.Thr167Met (NM_001039933.3); c.188C>T, p.Thr63Met (NM_001329050.2); c.185C>T, p.Thr62Met (NM_021602.4); short protein forms T167M, T166M, T63M, T62M.
Identifiers: ClinVar variation 133840 (VCV000133840.5), dbSNP rs147194821, ClinGen allele CA157933.

ClinVar aggregate classification (germline): Uncertain significance. Review status: criteria provided, single submitter (1 of 4 stars). 2 submissions from 2 submitters: Uncertain significance (1). 1 of the submissions does not count toward it. Last evaluated 2024-10-26.

Conditions:
Agammaglobulinemia 6, autosomal recessive (AGM6). Also called: AGAMMAGLOBULINEMIA 6; AGAMMAGLOBULINEMIA, AUTOSOMAL RECESSIVE, DUE TO CD79B DEFECT. Identifiers: MedGen C3150207, MONDO:0012987, OMIM 612692.

Allele frequency attached by ClinVar (database versions not stated): gnomAD exomes 0.00004 and 0.00007; ExAC 0.00006; gnomAD 0.00010 and 0.00011; TOPMed 0.00013; ESP Exome Variant Server 0.00038.
gnomAD v4.1: 84 of 1,613,206 alleles (0.0052%); highest among the groups gnomAD compares: Middle Eastern, 0.033%; no homozygotes.

Submissions (2):

Labcorp Genetics (formerly Invitae), Labcorp
Classification: Uncertain significance for Agammaglobulinemia 6, autosomal recessive. Last evaluated: 2024-10-26. Review status: criteria provided, single submitter. Criteria: Invitae Variant Classification Sherloc (09022015). Collection method: clinical testing. Allele origin: germline.
Comment: This sequence change replaces threonine, which is neutral and polar, with methionine, which is neutral and non-polar, at codon 166 of the CD79B protein (p.Thr166Met). This variant is present in population databases (rs147194821, gnomAD 0.03%). This variant has not been reported in the literature in individuals affected with CD79B-related conditions. ClinVar contains an entry for this variant (Variation ID: 133840). An algorithm developed to predict the effect of missense changes on protein structure and function (PolyPhen-2) suggests that this variant is likely to be disruptive. In summary, the available evidence is currently insufficient to determine the role of this variant in disease. Therefore, it has been classified as a Variant of Uncertain Significance.

ITMI
No classification provided. Condition: AllHighlyPenetrant. Last evaluated: 2013-09-19. Review status: no classification provided. Collection method: reference population. Allele origin: germline. Not counted in ClinVar's aggregate classification.
Comment: Please see associated publication for description of ethnicities

Literature cited by the submitters: PubMed 24728327 (cited by ITMI).